The following is an entry in ClinVar:

NM_001282531.3(ADNP):c.2189G>C (p.Arg730Pro)

Gene: ADNP (activity dependent neuroprotector homeobox; minus strand). Cytogenetic location: 20q13.13.
Variant type: single nucleotide variant.
Coding change: c.2189G>C on transcript NM_001282531.3 (MANE Select); coding-DNA position 2189, G replaced by C.
Protein change: p.Arg730Pro; replaces arginine 730 with proline.
Molecular consequence: missense variant.
Genome position (GRCh38, 1-based): chr20:50,892,525, C>G on the plus strand (G>C on the coding strand, the complement: ADNP is on the minus strand). VCF-style: chr20-50892525-C-G. GRCh37 (hg19) VCF-style: chr20-49509062-C-G.
Other names: c.2189G>C, p.Arg730Pro (NM_001282532.2, NM_001347511.2, NM_015339.5 and 1 more transcripts); short protein forms R730P.
Identifiers: ClinVar variation 1309778 (VCV001309778.2), dbSNP rs377051194, ClinGen allele CA408971012.

ClinVar aggregate classification (germline): Uncertain significance (1 of 4 stars; one submission).

Submission:

GeneDx
Classification: Uncertain significance. Last evaluated: 2019-11-05. Review status: criteria provided, single submitter. Criteria: GeneDx Variant Classification Process June 2021. Collection method: clinical testing. Allele origin: germline. Affected: yes.
Comment: Not observed in large population cohorts (Lek et al., 2016); In silico analysis, which includes protein predictors and evolutionary conservation, supports a deleterious effect; Has not been previously published as pathogenic or benign to our knowledge